The following is an entry in ClinVar:

NM_133642.5(LARGE1):c.1497C>G (p.Ile499Met)

Gene: LARGE1 (LARGE xylosyl- and glucuronyltransferase 1; minus strand). Cytogenetic location: 22q12.3.
Variant type: single nucleotide variant.
Coding change: c.1497C>G on transcript NM_133642.5 (MANE Select); coding-DNA position 1497, C replaced by G.
Protein change: p.Ile499Met; replaces isoleucine 499 with methionine.
Molecular consequence: missense variant.
Genome position (GRCh38, 1-based): chr22:33,304,462, G>C on the plus strand (C>G on the coding strand, the complement: LARGE1 is on the minus strand). VCF-style: chr22-33304462-G-C. GRCh37 (hg19) VCF-style: chr22-33700448-G-C.
Other names: c.1497C>G, p.Ile499Met (NM_001362949.2, NM_001362951.2, NM_001362953.2 and 6 more transcripts); c.1341C>G, p.Ile447Met (NM_001378629.1); c.894C>G, p.Ile298Met (NM_001378630.1); c.738C>G, p.Ile246Met (NM_001378631.1); short protein forms I298M, I447M, I499M, I246M.
Identifiers: ClinVar variation 2190066 (VCV002190066.1), dbSNP rs769790373, ClinGen allele CA10202722.

ClinVar aggregate classification (germline): Uncertain significance (1 of 4 stars; one submission).

Conditions:
Muscular dystrophy-dystroglycanopathy type B6 (MDDGB6). Also called: MUSCULAR DYSTROPHY-DYSTROGLYCANOPATHY (CONGENITAL WITH IMPAIRED INTELLECTUAL DEVELOPMENT), TYPE B, 6; MUSCULAR DYSTROPHY, CONGENITAL, LARGE-RELATED; MUSCULAR DYSTROPHY, CONGENITAL, TYPE 1D. Identifiers: MedGen C1837229, MONDO:0012138, OMIM 608840.

Allele frequency attached by ClinVar (database versions not stated): gnomAD 0.00001.
gnomAD v4.1: 5 of 1,612,504 alleles (0.00031%); highest among the groups gnomAD compares: Non-Finnish European, 0.00042%; no homozygotes.

Submission:

Labcorp Genetics (formerly Invitae), Labcorp
Classification: Uncertain significance for Muscular dystrophy-dystroglycanopathy type B6. Last evaluated: 2022-04-01. Review status: criteria provided, single submitter. Criteria: Invitae Variant Classification Sherloc (09022015). Collection method: clinical testing. Allele origin: germline.
Comment: This sequence change replaces isoleucine, which is neutral and non-polar, with methionine, which is neutral and non-polar, at codon 499 of the LARGE1 protein (p.Ile499Met). This variant is not present in population databases (gnomAD no frequency). This variant has not been reported in the literature in individuals affected with LARGE1-related conditions. Algorithms developed to predict the effect of missense changes on protein structure and function are either unavailable or do not agree on the potential impact of this missense change (SIFT: "Deleterious"; PolyPhen-2: "Benign"; Align-GVGD: "Class C0"). In summary, the available evidence is currently insufficient to determine the role of this variant in disease. Therefore, it has been classified as a Variant of Uncertain Significance.